The following is an entry in ClinVar:

NM_000372.5(TYR):c.1255G>A (p.Gly419Arg)

Gene: TYR (tyrosinase; plus strand). Cytogenetic location: 11q14.3.
Variant type: single nucleotide variant.
Coding change: c.1255G>A on transcript NM_000372.5 (MANE Select); coding-DNA position 1255, G replaced by A.
Protein change: p.Gly419Arg; replaces glycine 419 with arginine.
Molecular consequence: missense variant.
Genome position (GRCh38, 1-based): chr11:89,284,843, G>A. VCF-style: chr11-89284843-G-A. GRCh37 (hg19) VCF-style: chr11-89018011-G-A.
Other names: short protein forms G419R.
Identifiers: ClinVar variation 3792 (VCV000003792.55), dbSNP rs61754392, ClinGen allele CA227520.
Genomic context (GRCh38, chr11:89,284,843, plus strand): 5'-CAGTGGCTCCGAAGGCACCGTCCTCTTCAAGAAGTTTATCCAGAAGCCAATGCACCCATT[G>A]GACATAACCGGGAATCCTACATGGTTCCTTTTATACCACTGTACAGAAATGGTGATTTCT-3'
Protein context (NP_000363.1, residues 409-429): EVYPEANAPI[Gly419Arg]HNRESYMVPF

ClinVar aggregate classification (germline): Pathogenic/Likely pathogenic. Review status: criteria provided, multiple submitters, no conflicts (2 of 4 stars). 17 submissions from 17 submitters: Pathogenic (10); Likely pathogenic (2). 5 of the submissions do not count toward it. Last evaluated 2025-12-09.

Conditions:
Oculocutaneous albinism type 1A (OCA1A). Also called: Albinism, oculocutaneous, type IA. Identifiers: Orphanet 352731, Orphanet 79431, MedGen C4551504, MONDO:0008745, OMIM 203100. Disease mechanism: loss of function.
Oculocutaneous albinism type 1B (OCA1B). Also called: ALBINISM, OCULOCUTANEOUS, TYPE IB; ALBINISM, YELLOW MUTANT TYPE; YELLOW ALBINISM. Identifiers: Orphanet 352731, Orphanet 352737, Orphanet 79434, MedGen C1847024, MONDO:0011749, OMIM 606952.
SKIN/HAIR/EYE PIGMENTATION 3, LIGHT/DARK SKIN (SHEP3). Also called: SKIN/HAIR/EYE PIGMENTATION, VARIATION IN, 3; EYE COLOR 1; EYE COLOR, GREEN/BLUE; SKIN/HAIR/EYE PIGMENTATION 3, BLUE/GREEN EYE COLOR; SKIN/HAIR/EYE PIGMENTATION 3, FRECKLING. Identifiers: MedGen C2677190, OMIM 601800.
TYR-related disorder. Also called: TYR-related condition.
Albinism or congenital nystagmus.
Nonsyndromic Oculocutaneous Albinism.
Oculocutaneous albinism type 1. Also called: Albinism 1; ALBINISM I. Identifiers: Orphanet 352731, MedGen C0268494, MONDO:0018135. Disease mechanism: loss of function.

Allele frequency attached by ClinVar (database versions not stated): gnomAD 0.00001; TOPMed 0.00001; ExAC 0.00003; gnomAD exomes 0.00005 and 0.00006.
gnomAD v4.1: 66 of 1,611,844 alleles (0.0041%); highest among the groups gnomAD compares: South Asian, 0.053%; no homozygotes.

Submissions (17):

PreventionGenetics, part of Exact Sciences
Classification: Pathogenic for TYR-related condition. Last evaluated: 2025-12-09. Review status: criteria provided, single submitter. Criteria: ACMG Guidelines, 2015. Collection method: clinical testing. Allele origin: germline.
Comment: The TYR c.1255G>A variant is predicted to result in the amino acid substitution p.Gly419Arg. This variant has been reported in multiple individuals with oculocutaneous albinism (King et al. 1991. PubMed ID: 1943686; Shahzad et al. 2017. PubMed ID: 28266639; Shakil et al. 2019. PubMed ID: 30996339). Missense prediction programs classify this variant as damaging, and a functional study confirmed this prediction by showing this amino acid change causes retention in the ER and a lack of enzymatic activity (Chaki et al. 2011. PubMed ID: 20861851). This variant is present in 0.039% of alleles in individuals of South Asian descent in gnomAD. This variant is interpreted as pathogenic.

Labcorp Genetics (formerly Invitae), Labcorp
Classification: Pathogenic. Last evaluated: 2025-08-11. Review status: criteria provided, single submitter. Criteria: Invitae Variant Classification Sherloc (09022015). Collection method: clinical testing. Allele origin: germline.
Comment: This sequence change replaces glycine, which is neutral and non-polar, with arginine, which is basic and polar, at codon 419 of the TYR protein (p.Gly419Arg). This variant is present in population databases (rs61754392, gnomAD 0.04%). This missense change has been observed in individual(s) with oculocutaneous albinism (PMID: 16907708, 19865097, 27734839, 28266639, 32115698). In at least one individual the data is consistent with being in trans (on the opposite chromosome) from a pathogenic variant. ClinVar contains an entry for this variant (Variation ID: 3792). Invitae Evidence Modeling of protein sequence and biophysical properties (such as structural, functional, and spatial information, amino acid conservation, physicochemical variation, residue mobility, and thermodynamic stability) indicates that this missense variant is expected to disrupt TYR protein function with a positive predictive value of 95%. Experimental studies have shown that this missense change affects TYR function (PMID: 20861851). For these reasons, this variant has been classified as Pathogenic.

NHS Central & South Genomic Laboratory Hub
Classification: Pathogenic for Albinism or congenital nystagmus. Last evaluated: 2025-06-05. Review status: criteria provided, single submitter. Criteria: ACMG Guidelines, 2015. Collection method: clinical testing. Allele origin: germline. Affected: yes.

Department of Clinical Genetics, Copenhagen University Hospital, Rigshospitalet
Classification: Pathogenic for Oculocutaneous albinism type 1. Last evaluated: 2025-05-23. Review status: criteria provided, single submitter. Criteria: ACMG Guidelines, 2015. Collection method: clinical testing. Allele origin: germline. Observed: 4 variant alleles.
Comment: The following ACMG criteria has been used: PS4, PM2_sup, PM3, PP3_str

Laboratory of Genetic Epidemiology, Research Centre for Medical Genetics
Classification: Likely pathogenic for Oculocutaneous albinism type 1A; Oculocutaneous albinism type 1B. Last evaluated: 2025-01-01. Review status: criteria provided, single submitter. Criteria: ACMG Guidelines, 2015. Collection method: clinical testing. Allele origin: maternal. Inheritance: Autosomal recessive inheritance. Affected: yes. Observed: 1 compound heterozygote.
Comment: The missense variant NM_000372.5:c.1255G>A, p.(Gly419Arg) was identified in a compound heterozygous state in two probands diagnosed with albinism. This variant has been previously reported in the literature (PMIDs: 27734839, 32115698) and is listed in gnomAD v3.1.2 with allele frequency 0.00001 in Europe (1/67866). The affected amino acid position is evolutionarily conserved, and multiple in silico prediction tools support a deleterious effect. Taken together, the variant meets the following ACMG/AMP criteria and can be classified as likely pathogenic with PM2, PP3, PS3, PM3 criteria.

Blueprint Genetics
Classification: Pathogenic for TYR-related disorders. Last evaluated: 2024-05-29. Review status: criteria provided, single submitter. Criteria: ACMG Guidelines, 2015. Collection method: clinical testing. Allele origin: germline. Affected: yes. Observed: 5 variant alleles.

Fulgent Genetics
Classification: Pathogenic for Oculocutaneous albinism type 1A; SKIN/HAIR/EYE PIGMENTATION 3, LIGHT/DARK SKIN; Oculocutaneous albinism type 1B. Last evaluated: 2024-05-10. Review status: criteria provided, single submitter. Criteria: ACMG Guidelines, 2015. Collection method: clinical testing. Allele origin: germline.

Baylor Genetics
Classification: Pathogenic for SKIN/HAIR/EYE PIGMENTATION 3, LIGHT/DARK SKIN. Last evaluated: 2024-03-16. Review status: criteria provided, single submitter. Criteria: ACMG Guidelines, 2015. Collection method: clinical testing. Allele origin: unknown.

GeneDx
Classification: Pathogenic. Last evaluated: 2024-03-11. Review status: criteria provided, single submitter. Criteria: GeneDx Variant Classification Process June 2021. Collection method: clinical testing. Allele origin: germline.
Comment: Published functional studies demonstrate a lack of tyrosine hydroxylase and DOPA oxidase compared to wild type (PMID: 20861851); In silico analysis supports that this missense variant has a deleterious effect on protein structure/function; This variant is associated with the following publications: (PMID: 22734612, 20806075, 25216246, 34426522, 35328057, 34838614, 1943686, 28507374, 30996339, 28266639, 30868578, 33800529, 26167114, Arshad_2018_Article, 35741834, 27734839, 16555521, 32115698, 16907708, 20861851)

CeGaT Center for Human Genetics Tuebingen
Classification: Pathogenic. Last evaluated: 2023-06-01. Review status: criteria provided, single submitter. Criteria: CeGaT Center For Human Genetics Tuebingen Variant Classification Criteria Version 2. Collection method: clinical testing. Allele origin: germline. Affected: yes. Observed: 1 variant allele.
Comment: TYR: PS4, PM2, PP1:Moderate, PP3, PP4, PS3:Supporting

Genome-Nilou Lab
Classification: Pathogenic for Oculocutaneous albinism type 1. Last evaluated: 2021-08-08. Review status: criteria provided, single submitter. Criteria: ACMG Guidelines, 2015. Collection method: clinical testing. Allele origin: germline. Inheritance: Autosomal recessive inheritance. Affected: yes.

Genetics and Genomic Medicine Centre, NeuroGen Healthcare, NeuroGen Healthcare
Classification: Likely pathogenic for Oculocutaneous albinism type 1A. Last evaluated: 2021-05-04. Review status: criteria provided, single submitter. Criteria: Submitter's publication. Collection method: clinical testing. Allele origin: unknown. Affected: no.

Clinical Genetics Laboratory, University Hospital Schleswig-Holstein
Classification: Pathogenic for Oculocutaneous albinism type 1A; Oculocutaneous albinism type 1B. Last evaluated: 2024-01-25. Review status: no assertion criteria provided. Collection method: clinical testing. Allele origin: biparental. Affected: yes. Not counted in ClinVar's aggregate classification.

University of Washington Center for Mendelian Genomics, University of Washington
Classification: Likely pathogenic for Nonsyndromic Oculocutaneous Albinism. Last evaluated: 2017-03-07. Review status: no assertion criteria provided. Collection method: research. Allele origin: unknown. Affected: yes. Observed: 9 homozygotes. Not counted in ClinVar's aggregate classification.

OMIM
Classification: Pathogenic for ALBINISM, OCULOCUTANEOUS, TYPE IA. Last evaluated: 1991-02-01. Review status: no assertion criteria provided. Collection method: literature only. Allele origin: germline. Not counted in ClinVar's aggregate classification.

Institute of Biotechnology and Microbiology, Bacha Khan University, Charsadda
Classification: Pathogenic for Oculocutaneous albinism type 1A. Review status: no assertion criteria provided. Collection method: research. Allele origin: inherited. Inheritance: Autosomal recessive inheritance. Affected: yes. Observed: 1 homozygote. Not counted in ClinVar's aggregate classification.

Retina International
No classification provided. Review status: no classification provided. Collection method: not provided. Allele origin: not provided. Not counted in ClinVar's aggregate classification.

Literature cited by the submitters: PubMed 16907708 (cited by Labcorp Genetics (formerly Invitae), Labcorp); PubMed 19865097 (cited by Labcorp Genetics (formerly Invitae), Labcorp); PubMed 27734839 (cited by Labcorp Genetics (formerly Invitae), Labcorp and Laboratory of Genetic Epidemiology, Research Centre for Medical Genetics); PubMed 28266639 (cited by 3 submitters); PubMed 32115698 (cited by Labcorp Genetics (formerly Invitae), Labcorp and Laboratory of Genetic Epidemiology, Research Centre for Medical Genetics); PubMed 20861851 (cited by Labcorp Genetics (formerly Invitae), Labcorp); PubMed 1943686 (cited by 3 submitters); PubMed 41428507 (cited by Laboratory of Genetic Epidemiology, Research Centre for Medical Genetics).